The following is an entry in ClinVar:

ClinVar aggregate classification (germline): Uncertain significance. Review status: criteria provided, multiple submitters, no conflicts (2 of 4 stars). 3 submissions from 3 submitters: Uncertain significance (2). 1 of the submissions does not count toward it. Last evaluated 2025-08-26.

Conditions:
CPE-related disorder. Also called: CPE-related condition.
Inborn genetic diseases. Identifiers: MedGen C0950123, MeSH D030342.

gnomAD v4.1: 47 of 1,613,710 alleles (0.0029%); highest among the groups gnomAD compares: Non-Finnish European, 0.0034%; no homozygotes.

Submissions (3):

Ambry Genetics
Classification: Uncertain significance for Inborn genetic diseases. Last evaluated: 2025-08-26. Review status: criteria provided, single submitter. Criteria: Ambry Variant Classification Scheme 2023. Collection method: clinical testing. Allele origin: germline.

Blueprint Genetics
Classification: Uncertain significance. Last evaluated: 2024-02-09. Review status: criteria provided, single submitter. Criteria: ACMG Guidelines, 2015. Collection method: clinical testing. Allele origin: germline.

PreventionGenetics, part of Exact Sciences
Classification: Uncertain significance for CPE-related condition. Last evaluated: 2024-04-30. Review status: no assertion criteria provided. Collection method: clinical testing. Allele origin: germline. Not counted in ClinVar's aggregate classification.
Comment: The CPE c.752A>G variant is predicted to result in the amino acid substitution p.Asp251Gly. To our knowledge, this variant has not been reported in the literature. This variant is reported in 0.0016% of alleles in individuals of European (Non-Finnish) descent in gnomAD. At this time, the clinical significance of this variant is uncertain due to the absence of conclusive functional and genetic evidence.

NM_001873.4(CPE):c.752A>G (p.Asp251Gly)

Gene: CPE (carboxypeptidase E; plus strand). Cytogenetic location: 4q32.3.
Variant type: single nucleotide variant.
Coding change: c.752A>G on transcript NM_001873.4 (MANE Select); coding-DNA position 752, A replaced by G.
Protein change: p.Asp251Gly; replaces aspartic acid 251 with glycine.
Molecular consequence: missense variant.
Genome position (GRCh38, 1-based): chr4:165,482,321, A>G. VCF-style: chr4-165482321-A-G. GRCh37 (hg19) VCF-style: chr4-166403473-A-G.
Other names: c.752A>G (NM_001873.2); short protein forms D251G.
Identifiers: ClinVar variation 3344069 (VCV003344069.3).